The following is an entry in ClinVar:

ClinVar aggregate classification (germline): Uncertain significance. Review status: criteria provided, multiple submitters, no conflicts (2 of 4 stars). 3 submissions from 3 submitters: Uncertain significance (3). Last evaluated 2025-03-06.

Conditions:
Age related macular degeneration 1 (ARMD1). Also called: MACULOPATHY, AGE-RELATED, 1. Identifiers: MedGen C1864205, MONDO:0011285, OMIM 603075.

Allele frequency attached by ClinVar (database versions not stated): gnomAD 0.00005 and 0.00006; gnomAD exomes 0.00007 and 0.00009; ExAC 0.00008; ESP Exome Variant Server 0.00008; TOPMed 0.00008.
gnomAD v4.1: 136 of 1,613,166 alleles (0.0084%); highest among the groups gnomAD compares: Non-Finnish European, 0.011%; no homozygotes.

Submissions (3):

Labcorp Genetics (formerly Invitae), Labcorp
Classification: Uncertain significance. Last evaluated: 2025-03-06. Review status: criteria provided, single submitter. Criteria: Invitae Variant Classification Sherloc (09022015). Collection method: clinical testing. Allele origin: germline.
Comment: This sequence change replaces glutamic acid, which is acidic and polar, with valine, which is neutral and non-polar, at codon 1462 of the HMCN1 protein (p.Glu1462Val). This variant is present in population databases (rs371177035, gnomAD 0.01%). This variant has not been reported in the literature in individuals affected with HMCN1-related conditions. ClinVar contains an entry for this variant (Variation ID: 294144). An algorithm developed to predict the effect of missense changes on protein structure and function (PolyPhen-2) suggests that this variant is likely to be disruptive. Algorithms developed to predict the effect of sequence changes on RNA splicing suggest that this variant may disrupt the consensus splice site. In summary, the available evidence is currently insufficient to determine the role of this variant in disease. Therefore, it has been classified as a Variant of Uncertain Significance.

Genome-Nilou Lab
Classification: Uncertain significance for Age related macular degeneration 1. Last evaluated: 2023-04-11. Review status: criteria provided, single submitter. Criteria: ACMG Guidelines, 2015. Collection method: clinical testing. Allele origin: germline. Affected: no.

Illumina Laboratory Services, Illumina
Classification: Uncertain significance for Age related macular degeneration 1. Last evaluated: 2018-01-13. Review status: criteria provided, single submitter. Criteria: ICSL Variant Classification Criteria 13 December 2019. Collection method: clinical testing. Allele origin: germline.

NM_031935.3(HMCN1):c.4385A>T (p.Glu1462Val)

Gene: HMCN1 (hemicentin 1; plus strand). Cytogenetic location: 1q31.1.
Variant type: single nucleotide variant.
Coding change: c.4385A>T on transcript NM_031935.3 (MANE Select); coding-DNA position 4385, A replaced by T.
Protein change: p.Glu1462Val; replaces glutamic acid 1462 with valine.
Molecular consequence: missense variant.
Genome position (GRCh38, 1-based): chr1:186,003,754, A>T. VCF-style: chr1-186003754-A-T. GRCh37 (hg19) VCF-style: chr1-185972886-A-T.
Other names: short protein forms E1462V.
Identifiers: ClinVar variation 294144 (VCV000294144.10), dbSNP rs371177035, ClinGen allele CA1291989.